The following is an entry in ClinVar:

ClinVar aggregate classification (germline): Benign. Review status: criteria provided, multiple submitters, no conflicts (2 of 4 stars). 4 submissions from 4 submitters: Benign (3). 1 of the submissions does not count toward it. Last evaluated 2026-02-03.

Conditions:
SNIP1-related disorder. Also called: SNIP1-related condition.
Psychomotor retardation, epilepsy, and craniofacial dysmorphism (NEDHCS). Also called: NEURODEVELOPMENTAL DISORDER WITH HYPOTONIA, CRANIOFACIAL ABNORMALITIES, AND SEIZURES. Identifiers: MedGen C3281055, MONDO:0013787, OMIM 614501.

Allele frequency attached by ClinVar (database versions not stated): ESP Exome Variant Server 0.14692; TOPMed 0.17346; ExAC 0.21834; gnomAD exomes 0.22336; 1000 Genomes Project 30x 0.22626; 1000 Genomes Project 0.22923.
gnomAD v4.1: 313,403 of 1,612,118 alleles (19%); highest among the groups gnomAD compares: East Asian, 43%; 33,467 homozygotes.

Submissions (4):

Labcorp Genetics (formerly Invitae), Labcorp
Classification: Benign. Last evaluated: 2026-02-03. Review status: criteria provided, single submitter. Criteria: Invitae Variant Classification Sherloc (09022015). Collection method: clinical testing. Allele origin: germline.

Genome-Nilou Lab
Classification: Benign for Psychomotor retardation, epilepsy, and craniofacial dysmorphism. Last evaluated: 2021-07-15. Review status: criteria provided, single submitter. Criteria: ACMG Guidelines, 2015. Collection method: clinical testing. Allele origin: germline. Affected: no.

Breakthrough Genomics
Classification: Benign. Review status: criteria provided, single submitter. Criteria: ACMG Guidelines, 2015. Collection method: not provided. Allele origin: germline. Inheritance: Autosomal recessive inheritance. Affected: yes.

PreventionGenetics, part of Exact Sciences
Classification: Benign for SNIP1-related condition. Last evaluated: 2024-07-28. Review status: no assertion criteria provided. Collection method: clinical testing. Allele origin: germline. Not counted in ClinVar's aggregate classification.
Comment: This variant is classified as benign based on ACMG/AMP sequence variant interpretation guidelines (Richards et al. 2015 PMID: 25741868, with internal and published modifications).

NM_024700.4(SNIP1):c.84G>A (p.Val28=)

Gene: SNIP1 (Smad nuclear interacting protein 1; minus strand). Cytogenetic location: 1p34.3.
Variant type: single nucleotide variant.
Coding change: c.84G>A on transcript NM_024700.4 (MANE Select); coding-DNA position 84, G replaced by A.
Protein change: p.Val28=; no amino-acid change (valine 28 retained).
Molecular consequence: synonymous variant.
Genome position (GRCh38, 1-based): chr1:37,554,146, C>T on the plus strand (G>A on the coding strand, the complement: SNIP1 is on the minus strand). VCF-style: chr1-37554146-C-T. GRCh37 (hg19) VCF-style: chr1-38019747-C-T.
Other names: c.84G>A (NM_024700.3).
Identifiers: ClinVar variation 1170158 (VCV001170158.14), dbSNP rs2273013, ClinGen allele CA771435.